The following is an entry in ClinVar:

ClinVar aggregate classification (germline): Uncertain significance. Review status: criteria provided, multiple submitters, no conflicts (2 of 4 stars). 2 submissions from 2 submitters: Uncertain significance (2). Last evaluated 2025-07-09.

Conditions:
Familial thoracic aortic aneurysm and aortic dissection (TAAD). Also called: Thoracic aortic aneurysms and dissections. Identifiers: Orphanet 91387, MedGen C4707243, MONDO:0019625.

Allele frequency attached by ClinVar (database versions not stated): gnomAD exomes below 0.00001; ExAC 0.00002.
gnomAD v4.1: 1 of 1,611,718 alleles (0.000062%); highest among the groups gnomAD compares: East Asian, 0.0022%; no homozygotes.

Submissions (2):

Color Diagnostics, LLC DBA Color Health
Classification: Uncertain significance for Familial thoracic aortic aneurysm and aortic dissection. Last evaluated: 2025-07-09. Review status: criteria provided, single submitter. Criteria: ACMG Guidelines, 2015. Collection method: clinical testing. Allele origin: germline.
Comment: This variant causes a G to A nucleotide substitution at the +6 position of intron 29 of the MYH11 gene. To our knowledge, functional studies have not been reported for this variant. This variant has not been reported in individuals affected with MYH11-related disorders in the literature. This variant has been identified in 2/248814 chromosomes in the general population by the Genome Aggregation Database (gnomAD). The available evidence is insufficient to determine the role of this variant in disease conclusively. Therefore, this variant is classified as a Variant of Uncertain Significance.

All of Us Research Program, National Institutes of Health
Classification: Uncertain significance for Familial thoracic aortic aneurysm and aortic dissection. Last evaluated: 2023-08-23. Review status: criteria provided, single submitter. Criteria: ACMG Guidelines, 2015. Collection method: clinical testing. Allele origin: germline. Inheritance: Autosomal dominant inheritance. Observed: 1 variant allele, 1 heterozygote.
Comment: This variant causes a G to A nucleotide substitution at the +6 position of intron 29 of the MYH11 gene. To our knowledge, functional studies have not been reported for this variant. This variant has not been reported in individuals affected with MYH11-related disorders in the literature. This variant has been identified in 2/248814 chromosomes in the general population by the Genome Aggregation Database (gnomAD). The available evidence is insufficient to determine the role of this variant in disease conclusively. Therefore, this variant is classified as a Variant of Uncertain Significance.

This study involves interpretation of variants in research participants for the purpose of population health screening. Participant phenotype was not available at the time of variant classification. Additional details can be found in publication PMID: 35346344, PMCID: PMC8962531

NM_002474.3(MYH11):c.3858+6G>A

Gene: MYH11 (myosin heavy chain 11; minus strand). Cytogenetic location: 16p13.11.
Variant type: single nucleotide variant.
Coding change: c.3858+6G>A on transcript NM_002474.3 (MANE Select); 6 bases into the intron after coding-DNA position 3858, G replaced by A.
Molecular consequence: intron variant.
Genome position (GRCh38, 1-based): chr16:15,726,842, C>T on the plus strand (G>A on the coding strand, the complement: MYH11 is on the minus strand). VCF-style: chr16-15726842-C-T. GRCh37 (hg19) VCF-style: chr16-15820699-C-T.
Other names: c.3879+6G>A (NM_001040114.2, NM_001040113.2); c.3858+6G>A (NM_022844.3).
Identifiers: ClinVar variation 3073056 (VCV003073056.2), dbSNP rs71376097, ClinGen allele CA7921871.